The following is an entry in ClinVar:

ClinVar aggregate classification (germline): Likely pathogenic. Review status: criteria provided, multiple submitters, no conflicts (2 of 4 stars). 2 submissions from 2 submitters: Likely pathogenic (2). Last evaluated 2024-04-30.

Conditions:
Joubert syndrome. Also called: CEREBELLOPARENCHYMAL DISORDER IV; JOUBERT-BOLTSHAUSER SYNDROME; Familial aplasia of the vermis. Identifiers: Orphanet 475, MedGen C5979921, MONDO:0018772.
Meckel-Gruber syndrome. Also called: DYSENCEPHALIA SPLANCHNOCYSTICA; GRUBER SYNDROME; Dysencephalia splachnocystica. Identifiers: Orphanet 564, MedGen C0265215, MONDO:0018921.
Nephronophthisis. Also called: Juvenile Nephronophthisis. Identifiers: Orphanet 655, MedGen C0687120, MONDO:0019005, HP:0000090.
Joubert syndrome 5 (JBTS5). Identifiers: Orphanet 2318, MedGen C1857780, MONDO:0012432, OMIM 610188.
Senior-Loken syndrome 6 (SLSN6). Identifiers: Orphanet 3156, MedGen C1857779, MONDO:0012433, OMIM 610189.
Bardet-Biedl syndrome 14 (BBS14). Identifiers: Orphanet 110, MedGen C2673874, MONDO:0014442, OMIM 615991.
Leber congenital amaurosis 10 (LCA10). Identifiers: Orphanet 65, MedGen C1857821, MONDO:0012723, OMIM 611755.
Meckel syndrome, type 4 (MKS4). Also called: MECKEL-GRUBER SYNDROME, TYPE 4. Identifiers: Orphanet 564, MedGen C1970161, MONDO:0012626, OMIM 611134.

Submissions (2):

Fulgent Genetics
Classification: Likely pathogenic for Joubert syndrome 5; Senior-Loken syndrome 6; Meckel syndrome, type 4; Leber congenital amaurosis 10; Bardet-Biedl syndrome 14. Last evaluated: 2024-04-30. Review status: criteria provided, single submitter. Criteria: ACMG Guidelines, 2015. Collection method: clinical testing. Allele origin: germline.

Labcorp Genetics (formerly Invitae), Labcorp
Classification: Likely pathogenic for Joubert syndrome; Meckel-Gruber syndrome; Nephronophthisis. Last evaluated: 2022-09-08. Review status: criteria provided, single submitter. Criteria: Invitae Variant Classification Sherloc (09022015). Collection method: clinical testing. Allele origin: germline.
Comment: This sequence change affects an acceptor splice site in intron 6 of the CEP290 gene. It is expected to disrupt RNA splicing. Variants that disrupt the donor or acceptor splice site typically lead to a loss of protein function (PMID: 16199547), and loss-of-function variants in CEP290 are known to be pathogenic (PMID: 16909394, 17345604, 20690115). This variant is not present in population databases (gnomAD no frequency). This variant has not been reported in the literature in individuals affected with CEP290-related conditions. Algorithms developed to predict the effect of sequence changes on RNA splicing suggest that this variant may disrupt the consensus splice site. In summary, the currently available evidence indicates that the variant is pathogenic, but additional data are needed to prove that conclusively. Therefore, this variant has been classified as Likely Pathogenic.

Literature cited by the submitters: PubMed 16199547 (cited by Labcorp Genetics (formerly Invitae), Labcorp); PubMed 16909394 (cited by Labcorp Genetics (formerly Invitae), Labcorp); PubMed 17345604 (cited by Labcorp Genetics (formerly Invitae), Labcorp); PubMed 20690115 (cited by Labcorp Genetics (formerly Invitae), Labcorp).

NM_025114.4(CEP290):c.442-1G>A

Gene: CEP290 (centrosomal protein 290; minus strand). Cytogenetic location: 12q21.32.
Variant type: single nucleotide variant.
Coding change: c.442-1G>A on transcript NM_025114.4 (MANE Select); the canonical splice acceptor site of the intron before coding-DNA position 442, G replaced by A.
Molecular consequence: splice acceptor variant.
Genome position (GRCh38, 1-based): chr12:88,131,219, C>T on the plus strand (G>A on the coding strand, the complement: CEP290 is on the minus strand). VCF-style: chr12-88131219-C-T. GRCh37 (hg19) VCF-style: chr12-88524996-C-T.
Identifiers: ClinVar variation 2029561 (VCV002029561.5), dbSNP rs2040047006, ClinGen allele CA385986700.